The following is an entry in ClinVar:

ClinVar aggregate classification (germline): Uncertain significance (1 of 4 stars; one submission).

Conditions:
Hereditary cancer-predisposing syndrome. Also called: Neoplastic Syndromes, Hereditary; Tumor predisposition; Hereditary neoplastic syndrome; Hereditary Cancer Syndrome. Identifiers: Orphanet 140162, MedGen C0027672, MeSH D009386, MONDO:0015356.

Submission:

Ambry Genetics
Classification: Uncertain significance for Hereditary cancer-predisposing syndrome. Last evaluated: 2025-03-20. Review status: criteria provided, single submitter. Criteria: Ambry Variant Classification Scheme 2023. Collection method: clinical testing. Allele origin: germline.
Comment: The p.M1302V variant (also known as c.3904A>G), located in coding exon 26 of the ALK gene, results from an A to G substitution at nucleotide position 3904. The methionine at codon 1302 is replaced by valine, an amino acid with highly similar properties. This amino acid position is conserved. In addition, the in silico prediction for this alteration is inconclusive. Based on the available evidence, the clinical significance of this variant remains unclear.

NM_004304.5(ALK):c.3904A>G (p.Met1302Val)

Gene: ALK (ALK receptor tyrosine kinase; minus strand). Cytogenetic location: 2p23.2.
Variant type: single nucleotide variant.
Coding change: c.3904A>G on transcript NM_004304.5 (MANE Select); coding-DNA position 3904, A replaced by G.
Protein change: p.Met1302Val; replaces methionine 1302 with valine.
Molecular consequence: missense variant.
Genome position (GRCh38, 1-based): chr2:29,207,205, T>C on the plus strand (A>G on the coding strand, the complement: ALK is on the minus strand). VCF-style: chr2-29207205-T-C. GRCh37 (hg19) VCF-style: chr2-29430071-T-C.
Other names: c.700A>G, p.Met234Val (NM_001353765.2); short protein forms M234V, M1302V.
Identifiers: ClinVar variation 4040264 (VCV004040264.1).